The following is an entry in ClinVar:

NM_017763.6(RNF43):c.1088G>T (p.Arg363Leu)

Gene: RNF43 (ring finger protein 43; minus strand). Cytogenetic location: 17q22.
Variant type: single nucleotide variant.
Coding change: c.1088G>T on transcript NM_017763.6 (MANE Select); coding-DNA position 1088, G replaced by T.
Protein change: p.Arg363Leu; replaces arginine 363 with leucine.
Molecular consequence: missense variant.
Genome position (GRCh38, 1-based): chr17:58,358,688, C>A on the plus strand (G>T on the coding strand, the complement: RNF43 is on the minus strand). VCF-style: chr17-58358688-C-A. GRCh37 (hg19) VCF-style: chr17-56436049-C-A.
Other names: c.1088G>T, p.Arg363Leu (NM_001305544.3); c.707G>T, p.Arg236Leu (NM_001305545.2); short protein forms R363L, R236L.
Identifiers: ClinVar variation 3789881 (VCV003789881.1).

ClinVar aggregate classification (germline): Uncertain significance (1 of 4 stars; one submission).

gnomAD v4.1: 2 of 1,533,472 alleles (0.00013%); highest among the groups gnomAD compares: Non-Finnish European, 0.00018%; no homozygotes.

Submission:

Ambry Genetics
Classification: Uncertain significance. Last evaluated: 2025-01-03. Review status: criteria provided, single submitter. Criteria: Ambry Variant Classification Scheme 2023. Collection method: clinical testing. Allele origin: germline.
Comment: The p.R363L variant (also known as c.1088G>T), located in coding exon 8 of the RNF43 gene, results from a G to T substitution at nucleotide position 1088. The arginine at codon 363 is replaced by leucine, an amino acid with dissimilar properties. This amino acid position is conserved. In addition, this alteration is predicted to be tolerated by in silico analysis. Based on the available evidence, the clinical significance of this variant remains unclear.